The following is an entry in ClinVar:

NM_144997.7(FLCN):c.1030C>T (p.Pro344Ser)

Gene: FLCN (folliculin; minus strand). Cytogenetic location: 17p11.2.
Variant type: single nucleotide variant.
Coding change: c.1030C>T on transcript NM_144997.7 (MANE Select); coding-DNA position 1030, C replaced by T.
Protein change: p.Pro344Ser; replaces proline 344 with serine.
Molecular consequence: missense variant.
Genome position (GRCh38, 1-based): chr17:17,219,051, G>A on the plus strand (C>T on the coding strand, the complement: FLCN is on the minus strand). VCF-style: chr17-17219051-G-A. GRCh37 (hg19) VCF-style: chr17-17122365-G-A.
Other names: c.1030C>T (LRG_325t1); c.1084C>T, p.Pro362Ser (NM_001353229.2); c.1030C>T, p.Pro344Ser (NM_001353230.2, NM_001353231.2); short protein forms P344S, P362S.
Identifiers: ClinVar variation 652468 (VCV000652468.10), dbSNP rs1597591391, ClinGen allele CA398532696.

ClinVar aggregate classification (germline): Conflicting classifications of pathogenicity. Review status: criteria provided, conflicting classifications (1 of 4 stars). 2 submissions from 2 submitters: Uncertain significance (1); Likely benign (1). Last evaluated 2024-04-29.

Conditions:
Birt-Hogg-Dube syndrome. Also called: Birt Hogg Dubé syndrome. Identifiers: Orphanet 122, MedGen C0346010, MONDO:0800444.
Hereditary cancer-predisposing syndrome. Also called: Hereditary Cancer Syndrome; Tumor predisposition; Neoplastic Syndromes, Hereditary; Hereditary neoplastic syndrome. Identifiers: Orphanet 140162, MedGen C0027672, MeSH D009386, MONDO:0015356.

Allele frequency attached by ClinVar (database versions not stated): gnomAD exomes below 0.00001.
gnomAD v4.1: 2 of 1,613,810 alleles (0.00012%); highest among the groups gnomAD compares: Non-Finnish European, 0.00017%; no homozygotes.

Submissions (2):

Labcorp Genetics (formerly Invitae), Labcorp
Classification: Uncertain significance for Birt-Hogg-Dube syndrome. Last evaluated: 2024-04-29. Review status: criteria provided, single submitter. Criteria: Invitae Variant Classification Sherloc (09022015). Collection method: clinical testing. Allele origin: germline.
Comment: This sequence change replaces proline, which is neutral and non-polar, with serine, which is neutral and polar, at codon 344 of the FLCN protein (p.Pro344Ser). This variant is not present in population databases (gnomAD no frequency). This variant has not been reported in the literature in individuals affected with FLCN-related conditions. ClinVar contains an entry for this variant (Variation ID: 652468). Advanced modeling of protein sequence and biophysical properties (such as structural, functional, and spatial information, amino acid conservation, physicochemical variation, residue mobility, and thermodynamic stability) performed at Invitae indicates that this missense variant is not expected to disrupt FLCN protein function with a negative predictive value of 80%. In summary, the available evidence is currently insufficient to determine the role of this variant in disease. Therefore, it has been classified as a Variant of Uncertain Significance.

Ambry Genetics
Classification: Likely benign for Hereditary cancer-predisposing syndrome. Last evaluated: 2018-07-10. Review status: criteria provided, single submitter. Criteria: Ambry Variant Classification Scheme 2023. Collection method: clinical testing. Allele origin: germline.